The following is an entry in ClinVar:

ClinVar aggregate classification (germline): Benign (1 of 4 stars; one submission).

Conditions:
White sponge nevus 2 (WSN2). Identifiers: MedGen C4014321, MONDO:0014346, OMIM 615785.

Allele frequency attached by ClinVar (database versions not stated): TOPMed 0.00007; gnomAD 0.00009 and 0.00012; 1000 Genomes Project 30x 0.00047; 1000 Genomes Project 0.00060.

Submission:

Illumina Laboratory Services, Illumina
Classification: Benign for White sponge nevus 2. Last evaluated: 2018-01-13. Review status: criteria provided, single submitter. Criteria: ICSL Variant Classification Criteria 13 December 2019. Collection method: clinical testing. Allele origin: germline.
Comment: This variant was observed in the ICSL laboratory as part of a predisposition screen in an ostensibly healthy population. It had not been previously curated by ICSL or reported in the Human Gene Mutation Database (HGMD: prior to June 1st, 2018), and was therefore a candidate for classification through an automated scoring system. Utilizing variant allele frequency, disease prevalence and penetrance estimates, and inheritance mode, an automated score was calculated to assess if this variant is too frequent to cause the disease. Based on the score and internal cut-off values, a variant classified as benign is not then subjected to further curation. The score for this variant resulted in a classification of benign for this disease.

NM_153490.3(KRT13):c.637C>T (p.Arg213Trp)

Gene: KRT13 (keratin 13; minus strand). Cytogenetic location: 17q21.2.
Variant type: single nucleotide variant.
Coding change: c.637C>T on transcript NM_153490.3 (MANE Select); coding-DNA position 637, C replaced by T.
Protein change: p.Arg213Trp; replaces arginine 213 with tryptophan.
Molecular consequence: missense variant.
Genome position (GRCh38, 1-based): chr17:41,503,385, G>A on the plus strand (C>T on the coding strand, the complement: KRT13 is on the minus strand). VCF-style: chr17-41503385-G-A. GRCh37 (hg19) VCF-style: chr17-39659637-G-A.
Other names: c.637C>T, p.Arg213Trp (NM_002274.4); short protein forms R213W.
Identifiers: ClinVar variation 889209 (VCV000889209.4), dbSNP rs78223890, ClinGen allele CA8560698.
Genomic context (GRCh38, chr17:41,503,385, plus strand): 5'-TCAGGCTCTCGATCTGCATCTCCAGGTCAGTCTTAGACAGAGTGAGCTCATCCAGCACCC[G>A]GCGCAGGCCGTTGATGTCGGCCTCCACGCTCTGGCGCAGGGCCAGCTCATTCTCATACCT-3'
Protein context (NP_705694.3, residues 203-223): SVEADINGLR[Arg213Trp]VLDELTLSKT